The following is an entry in ClinVar:

NM_001164508.2(NEB):c.22005G>A (p.Thr7335=)

Genes: NEB (nebulin; minus strand), RIF1 (replication timing regulatory factor 1; plus strand). Cytogenetic location: 2q23.3.
Variant type: single nucleotide variant.
Coding change: c.22005G>A on transcript NM_001164508.2 (MANE Select); coding-DNA position 22005, G replaced by A.
Protein change: p.Thr7335=; no amino-acid change (threonine 7335 retained).
Molecular consequence: synonymous variant.
Genome position (GRCh38, 1-based): chr2:151,526,203, C>T on the plus strand (G>A on the coding strand, the complement: NEB is on the minus strand). VCF-style: chr2-151526203-C-T. GRCh37 (hg19) VCF-style: chr2-152382717-C-T.
Other names: c.22005G>A, p.Thr7335= (NM_001164507.2); c.22110G>A, p.Thr7370= (NM_001271208.2); c.16902G>A, p.Thr5634= (NM_004543.5).
Identifiers: ClinVar variation 194142 (VCV000194142.48), dbSNP rs201400523, ClinGen allele CA200980.

ClinVar aggregate classification (germline): Conflicting classifications of pathogenicity. Review status: criteria provided, conflicting classifications (1 of 4 stars). 8 submissions from 8 submitters: Uncertain significance (1); Benign (1); Likely benign (5). 1 of the submissions does not count toward it. Last evaluated 2026-09-01.

Conditions:
Nemaline myopathy 2 (NEM2). Also called: Nemaline myopathy 2, autosomal recessive. Identifiers: MedGen C1850569, MONDO:0009725, OMIM 256030.

Allele frequency attached by ClinVar (database versions not stated): ESP Exome Variant Server 0.00041; 1000 Genomes Project 30x 0.00062; gnomAD 0.00072 and 0.00085; 1000 Genomes Project 0.00080; gnomAD exomes 0.00081 and 0.00109; TOPMed 0.00085; ExAC 0.00115.
gnomAD v4.1: 1,302 of 1,613,886 alleles (0.081%); highest among the groups gnomAD compares: South Asian, 0.42%; 8 homozygotes.

Submissions (8):

CeGaT Center for Human Genetics Tuebingen
Classification: Likely benign. Last evaluated: 2026-09-01. Review status: criteria provided, single submitter. Criteria: CeGaT Center For Human Genetics Tuebingen Variant Classification Criteria Version 2. Collection method: clinical testing. Allele origin: germline. Affected: yes. Observed: 7 variant alleles.
Comment: NEB: BP4, BP7

Labcorp Genetics (formerly Invitae), Labcorp
Classification: Benign for Nemaline myopathy 2. Last evaluated: 2026-01-28. Review status: criteria provided, single submitter. Criteria: Invitae Variant Classification Sherloc (09022015). Collection method: clinical testing. Allele origin: germline.

Blueprint Genetics
Classification: Likely benign. Last evaluated: 2024-11-06. Review status: criteria provided, single submitter. Criteria: ACMG Guidelines, 2015. Collection method: clinical testing. Allele origin: germline.

Illumina Laboratory Services, Illumina
Classification: Uncertain significance for Nemaline myopathy 2. Last evaluated: 2018-01-12. Review status: criteria provided, single submitter. Criteria: ICSL Variant Classification Criteria 13 December 2019. Collection method: clinical testing. Allele origin: germline.

GeneDx
Classification: Likely benign. Last evaluated: 2017-11-21. Review status: criteria provided, single submitter. Criteria: GeneDx Variant Classification (06012015). Collection method: clinical testing. Allele origin: germline. Affected: yes.
Comment: This variant is considered likely benign or benign based on one or more of the following criteria: it is a conservative change, it occurs at a poorly conserved position in the protein, it is predicted to be benign by multiple in silico algorithms, and/or has population frequency not consistent with disease.

Eurofins Ntd Llc (ga)
Classification: Likely benign. Last evaluated: 2015-05-19. Review status: criteria provided, single submitter. Criteria: EGL Classification Definitions 2015. Collection method: clinical testing. Allele origin: germline. Observed: 1 variant allele, 1 heterozygote.

PreventionGenetics, part of Exact Sciences
Classification: Likely benign. Review status: criteria provided, single submitter. Criteria: ACMG Guidelines, 2015. Collection method: clinical testing. Allele origin: germline.

Natera, Inc.
Classification: Likely benign for Nemaline myopathy type 2. Last evaluated: 2019-11-11. Review status: no assertion criteria provided. Collection method: clinical testing. Allele origin: germline. Not counted in ClinVar's aggregate classification.